The following is an entry in ClinVar:

ClinVar aggregate classification (germline): Likely pathogenic (1 of 4 stars; one submission).

gnomAD v4.1: 1 of 1,613,888 alleles (0.000062%); highest among the groups gnomAD compares: Non-Finnish European, 0.000085%; no homozygotes.

Submission:

CeGaT Center for Human Genetics Tuebingen
Classification: Likely pathogenic. Last evaluated: 2025-11-01. Review status: criteria provided, single submitter. Criteria: CeGaT Center For Human Genetics Tuebingen Variant Classification Criteria Version 2. Collection method: clinical testing. Allele origin: germline. Affected: yes. Observed: 2 variant alleles.
Comment: TTN: PVS1:Strong, PM2

NM_001267550.2(TTN):c.11952C>A (p.Tyr3984Ter)

Gene: TTN (titin; minus strand). Cytogenetic location: 2q31.2.
Variant type: single nucleotide variant.
Coding change: c.11952C>A on transcript NM_001267550.2 (MANE Select); coding-DNA position 11952, C replaced by A.
Protein change: p.Tyr3984Ter; replaces tyrosine 3984 with a stop codon.
Molecular consequence: nonsense. On other transcripts: intron variant (1).
Genome position (GRCh38, 1-based): chr2:178,741,281, G>T on the plus strand (C>A on the coding strand, the complement: TTN is on the minus strand). VCF-style: chr2-178741281-G-T. GRCh37 (hg19) VCF-style: chr2-179606008-G-T.
Other names: c.11001C>A, p.Tyr3667Ter (NM_001256850.1); c.10863C>A, p.Tyr3621Ter (NM_003319.4); c.11238C>A, p.Tyr3746Ter (NM_133432.3); c.11439C>A, p.Tyr3813Ter (NM_133437.4); c.10361-2921C>A (NM_133378.4); short protein forms Y3621*, Y3667*, Y3746*, Y3813*, Y3984*.
Identifiers: ClinVar variation 4535263 (VCV004535263.6).